The following is an entry in ClinVar:

ClinVar aggregate classification (germline): Likely pathogenic (1 of 4 stars; one submission).

Submission:

Labcorp Genetics (formerly Invitae), Labcorp
Classification: Likely pathogenic. Last evaluated: 2022-06-25. Review status: criteria provided, single submitter. Criteria: Invitae Variant Classification Sherloc (09022015). Collection method: clinical testing. Allele origin: germline.
Comment: In summary, the currently available evidence indicates that the variant is pathogenic, but additional data are needed to prove that conclusively. Therefore, this variant has been classified as Likely Pathogenic. Experimental studies and prediction algorithms are not available or were not evaluated, and the functional significance of this variant is currently unknown. This premature translational stop signal has been observed in individual(s) with clinical features of PPM1D-related conditions (Invitae). In at least one individual the variant was observed to be de novo. This variant is present in population databases (rs747990992, gnomAD 0.002%). This sequence change creates a premature translational stop signal (p.Cys478Alafs*5) in the PPM1D gene. While this is not anticipated to result in nonsense mediated decay, it is expected to disrupt the last 128 amino acid(s) of the PPM1D protein.

NM_003620.4(PPM1D):c.1432del (p.Cys478fs)

Gene: PPM1D (protein phosphatase, Mg2+/Mn2+ dependent 1D; plus strand). Cytogenetic location: 17q23.2.
Variant type: Deletion.
Coding change: c.1432del on transcript NM_003620.4 (MANE Select); coding-DNA position 1432, one base deleted (T; older notation c.1432delT).
Protein change: p.Cys478fs; shifts the reading frame from cysteine 478.
Molecular consequence: frameshift variant.
Genome position (GRCh38, 1-based): chr17:60,663,166, T deleted; the last of 2 consecutive T bases (chr17:60,663,165-60,663,166); deleting either gives the same sequence. VCF-style (leftmost placement, unchanged base first): chr17-60663164-AT-A. GRCh37 (hg19) VCF-style: chr17-58740525-AT-A.
Other names: short protein forms C478fs.
Identifiers: ClinVar variation 1957347 (VCV001957347.5), dbSNP rs747990992, ClinGen allele CA8687785.